The following is an entry in ClinVar:

ClinVar aggregate classification (germline): Uncertain significance. Review status: criteria provided, multiple submitters, no conflicts (2 of 4 stars). 2 submissions from 2 submitters: Uncertain significance (2). Last evaluated 2024-11-25.

Conditions:
Inborn genetic diseases. Identifiers: MedGen C0950123, MeSH D030342.

Allele frequency attached by ClinVar (database versions not stated): ExAC 0.00001; gnomAD exomes 0.00001; gnomAD 0.00002; TOPMed 0.00002.
gnomAD v4.1: 12 of 1,614,128 alleles (0.00074%); highest among the groups gnomAD compares: Middle Eastern, 0.016%; no homozygotes.

Submissions (2):

Ambry Genetics
Classification: Uncertain significance for Inborn genetic diseases. Last evaluated: 2024-11-25. Review status: criteria provided, single submitter. Criteria: Ambry Variant Classification Scheme 2023. Collection method: clinical testing. Allele origin: germline.

Labcorp Genetics (formerly Invitae), Labcorp
Classification: Uncertain significance. Last evaluated: 2022-02-02. Review status: criteria provided, single submitter. Criteria: Invitae Variant Classification Sherloc (09022015). Collection method: clinical testing. Allele origin: germline.
Comment: This sequence change replaces asparagine, which is neutral and polar, with serine, which is neutral and polar, at codon 72 of the GALNT3 protein (p.Asn72Ser). This variant is present in population databases (rs767659388, gnomAD 0.004%). This variant has not been reported in the literature in individuals affected with GALNT3-related conditions. Algorithms developed to predict the effect of missense changes on protein structure and function are either unavailable or do not agree on the potential impact of this missense change (SIFT: "Deleterious"; PolyPhen-2: "Probably Damaging"; Align-GVGD: "Class C15"). In summary, the available evidence is currently insufficient to determine the role of this variant in disease. Therefore, it has been classified as a Variant of Uncertain Significance.

NM_004482.4(GALNT3):c.215A>G (p.Asn72Ser)

Gene: GALNT3 (polypeptide N-acetylgalactosaminyltransferase 3; minus strand). Cytogenetic location: 2q24.3.
Variant type: single nucleotide variant.
Coding change: c.215A>G on transcript NM_004482.4 (MANE Select); coding-DNA position 215, A replaced by G.
Protein change: p.Asn72Ser; replaces asparagine 72 with serine.
Molecular consequence: missense variant.
Genome position (GRCh38, 1-based): chr2:165,770,486, T>C on the plus strand (A>G on the coding strand, the complement: GALNT3 is on the minus strand). VCF-style: chr2-165770486-T-C. GRCh37 (hg19) VCF-style: chr2-166626996-T-C.
Other names: c.215A>G (NM_004482.3); short protein forms N72S.
Identifiers: ClinVar variation 2081902 (VCV002081902.2), dbSNP rs767659388, ClinGen allele CA1941270.